The following is an entry in ClinVar:

NM_000268.4(NF2):c.1672C>G (p.Leu558Val)

Gene: NF2 (NF2, moesin-ezrin-radixin like (MERLIN) tumor suppressor; plus strand). Cytogenetic location: 22q12.2.
Variant type: single nucleotide variant.
Coding change: c.1672C>G on transcript NM_000268.4 (MANE Select); coding-DNA position 1672, C replaced by G.
Protein change: p.Leu558Val; replaces leucine 558 with valine.
Molecular consequence: missense variant. On other transcripts: non-coding transcript variant (1), intron variant (1).
Genome position (GRCh38, 1-based): chr22:29,681,536, C>G. VCF-style: chr22-29681536-C-G. GRCh37 (hg19) VCF-style: chr22-30077525-C-G.
Other names: c.1558C>G, p.Leu520Val (NM_001407053.1, NM_001407056.1); c.1549C>G, p.Leu517Val (NM_001407054.1, NM_001407058.1, NM_181829.3); c.1546C>G, p.Leu516Val (NM_001407055.1, NM_181828.3); c.1537C>G, p.Leu513Val (NM_001407057.1, NM_001407059.1); c.1414C>G, p.Leu472Val (NM_001407062.1); c.1423C>G, p.Leu475Val (NM_001407063.1, NM_181830.3, NM_181831.3); c.1138C>G, p.Leu380Val (NM_001407065.1); c.1672C>G, p.Leu558Val (NM_001407066.1, NM_016418.5, NM_181825.3 and 1 more transcripts); and 2 more; short protein forms L380V, L472V, L475V, L513V, L481V, L516V, L517V, L520V.
Identifiers: ClinVar variation 1777723 (VCV001777723.8), dbSNP rs765386271, ClinGen allele CA032541.

ClinVar aggregate classification (germline): Uncertain significance. Review status: criteria provided, multiple submitters, no conflicts (2 of 4 stars). 4 submissions from 4 submitters: Uncertain significance (4). Last evaluated 2026-02-11.

Conditions:
Neurofibromatosis, type 2 (SWNV). Also called: NF2-Related Schwannomatosis; SCHWANNOMATOSIS, VESTIBULAR; BILATERAL ACOUSTIC NEUROFIBROMATOSIS. Identifiers: Orphanet 637, MedGen C0027832, MONDO:0007039, OMIM 101000. Disease mechanism: loss of function.
Hereditary cancer-predisposing syndrome. Also called: Tumor predisposition; Neoplastic Syndromes, Hereditary; Hereditary Cancer Syndrome; Hereditary neoplastic syndrome. Identifiers: Orphanet 140162, MedGen C0027672, MeSH D009386, MONDO:0015356.

Allele frequency attached by ClinVar (database versions not stated): TOPMed below 0.00001; ExAC 0.00001; gnomAD 0.00001.
gnomAD v4.1: 1 of 1,614,088 alleles (0.000062%); highest among the groups gnomAD compares: African/African-American, 0.0013%; no homozygotes.

Submissions (4):

St. Jude Molecular Pathology, St. Jude Children's Research Hospital
Classification: Uncertain significance for Neurofibromatosis, type 2. Last evaluated: 2026-02-11. Review status: criteria provided, single submitter. Criteria: St. Jude Assertion Criteria 2020. Collection method: clinical testing. Allele origin: germline.
Comment: The NF2 c.1672C>G p.(Leu558Val) missense variant has a maximum subpopulation frequency of 0.0062% in gnomAD v2.1.1. The in silico tool REVEL is inconclusive about a pathogenic or benign effect of this variant on protein function, and to our knowledge functional studies have not been performed. To our knowledge, this variant has not been reported in the literature in individuals with Neurofibromatosis type 2. In summary, the evidence currently available is insufficient to determine the clinical significance of this variant. It has therefore been classified as of uncertain significance.

Labcorp Genetics (formerly Invitae), Labcorp
Classification: Uncertain significance for Neurofibromatosis, type 2. Last evaluated: 2024-11-20. Review status: criteria provided, single submitter. Criteria: Invitae Variant Classification Sherloc (09022015). Collection method: clinical testing. Allele origin: germline.
Comment: This sequence change replaces leucine, which is neutral and non-polar, with valine, which is neutral and non-polar, at codon 558 of the NF2 protein (p.Leu558Val). This variant is present in population databases (rs765386271, gnomAD 0.007%). This variant has not been reported in the literature in individuals affected with NF2-related conditions. ClinVar contains an entry for this variant (Variation ID: 1777723). Invitae Evidence Modeling of protein sequence and biophysical properties (such as structural, functional, and spatial information, amino acid conservation, physicochemical variation, residue mobility, and thermodynamic stability) has been performed for this missense variant. However, the output from this modeling did not meet the statistical confidence thresholds required to predict the impact of this variant on NF2 protein function. In summary, the available evidence is currently insufficient to determine the role of this variant in disease. Therefore, it has been classified as a Variant of Uncertain Significance.

Ambry Genetics
Classification: Uncertain significance for Hereditary cancer-predisposing syndrome. Last evaluated: 2024-06-09. Review status: criteria provided, single submitter. Criteria: Ambry Variant Classification Scheme 2023. Collection method: clinical testing. Allele origin: germline.
Comment: The p.L558V variant (also known as c.1672C>G), located in coding exon 15 of the NF2 gene, results from a C to G substitution at nucleotide position 1672. The leucine at codon 558 is replaced by valine, an amino acid with highly similar properties. This amino acid position is conserved. In addition, the in silico prediction for this alteration is inconclusive. Since supporting evidence is limited at this time, the clinical significance of this alteration remains unclear.

All of Us Research Program, National Institutes of Health
Classification: Uncertain significance for Neurofibromatosis, type 2. Last evaluated: 2024-02-22. Review status: criteria provided, single submitter. Criteria: ACMG Guidelines, 2015. Collection method: clinical testing. Allele origin: germline. Inheritance: Autosomal dominant inheritance. Observed: 1 variant allele, 1 heterozygote.
Comment: This missense variant replaces leucine with valine at codon 558 of the NF2 protein. Computational prediction suggests that this variant may not impact protein structure and function. To our knowledge, functional studies have not been reported for this variant. This variant has not been reported in individuals affected with NF2-related disorders in the literature. This variant has been identified in 1/251402 chromosomes in the general population by the Genome Aggregation Database (gnomAD). The available evidence is insufficient to determine the role of this variant in disease conclusively. Therefore, this variant is classified as a Variant of Uncertain Significance.

This study involves interpretation of variants in research participants for the purpose of population health screening. Participant phenotype was not available at the time of variant classification. Additional details can be found in publication PMID: 35346344, PMCID: PMC8962531